The following is an entry in ClinVar:

ClinVar aggregate classification (germline): Pathogenic (1 of 4 stars; one submission).

Conditions:
Breast-ovarian cancer, familial, susceptibility to, 1 (BROVCA1). Also called: BRCA1 Hereditary Breast and Ovarian Cancer; OVARIAN CANCER, SUSCEPTIBILITY TO. Identifiers: Orphanet 145, MedGen C2676676, MONDO:0011450, OMIM 604370. Disease mechanism: loss of function.

Submission:

Myriad Genetics, Inc.
Classification: Pathogenic for Breast-ovarian cancer, familial, susceptibility to, 1. Last evaluated: 2024-01-30. Review status: criteria provided, single submitter. Criteria: Myriad Autosomal Dominant, Autosomal Recessive and X-Linked Classification Criteria (2023). Collection method: clinical testing. Allele origin: unknown.
Comment: This variant is considered pathogenic. This variant creates a frameshift predicted to result in premature protein truncation.

NM_007294.4(BRCA1):c.1454del (p.Ala485fs)

Gene: BRCA1 (BRCA1 DNA repair associated; minus strand). Cytogenetic location: 17q21.31.
Variant type: Deletion.
Coding change: c.1454del on transcript NM_007294.4 (MANE Select); coding-DNA position 1454, one base deleted (C; older notation c.1454delC).
Protein change: p.Ala485fs; shifts the reading frame from alanine 485.
Molecular consequence: frameshift variant. On other transcripts: intron variant (137).
Genome position (GRCh38, 1-based): chr17:43,094,077, G deleted on the plus strand (C on the coding strand, the reverse complement: BRCA1 is on the minus strand). VCF-style (leftmost placement, unchanged base first): chr17-43094076-TG-T. GRCh37 (hg19) VCF-style: chr17-41246093-TG-T.
Other names: c.1451del, p.Ala484fs (NM_001407861.1, NM_001407587.1, NM_001407590.1 and 22 more transcripts); c.1253del, p.Ala418fs (NM_001407862.1); c.1241del, p.Ala414fs (NM_001407571.1, NM_001407853.1, NM_001407894.1 and 9 more transcripts); c.1454del, p.Ala485fs (NM_001407581.1, NM_001407582.1, NM_001407583.1 and 30 more transcripts); c.1445del, p.Ala482fs (NM_001407646.1, NM_001407647.1); c.1331del, p.Ala444fs (NM_001407648.1, NM_001407664.1, NM_001407665.1 and 19 more transcripts); c.1328del, p.Ala443fs (NM_001407649.1, NM_001407670.1, NM_001407671.1 and 11 more transcripts); c.1376del, p.Ala459fs (NM_001407653.1, NM_001407654.1, NM_001407655.1 and 4 more transcripts); and 40 more; short protein forms A358fs, A373fs, A414fs, A437fs, A444fs, A482fs, A317fs, A357fs.
Identifiers: ClinVar variation 3148473 (VCV003148473.1), dbSNP rs2552208532, ClinGen allele CA2825002543.
Genomic context (GRCh38, chr17:43,094,076, plus strand): 5'-TTTACGCTTTAATTTATTTGTGAGGGGACGCTCTTGTATTATCTGTGGCTCAGTAACAAA[TG>T]CTCCTATAATTAGATTTTCAGTTACATGGCTTAAGTTGGGGAGGCTTGCCTTCTTCCGAT-3'